The following is an entry in ClinVar:

NM_001849.4(COL6A2):c.62A>G (p.Gln21Arg)

Gene: COL6A2 (collagen type VI alpha 2 chain; plus strand). Cytogenetic location: 21q22.3.
Variant type: single nucleotide variant.
Coding change: c.62A>G on transcript NM_001849.4 (MANE Select); coding-DNA position 62, A replaced by G.
Protein change: p.Gln21Arg; replaces glutamine 21 with arginine.
Molecular consequence: missense variant.
Genome position (GRCh38, 1-based): chr21:46,111,538, A>G. VCF-style: chr21-46111538-A-G. GRCh37 (hg19) VCF-style: chr21-47531452-A-G.
Other names: c.62A>G, p.Gln21Arg (NM_058174.3, NM_058175.3); short protein forms Q21R.
Identifiers: ClinVar variation 1431362 (VCV001431362.6), dbSNP rs751632108, ClinGen allele CA10071167.
Genomic context (GRCh38, chr21:46,111,538, plus strand): 5'-TGCTCCAGGGCACCTGCTCCGTGCTCCTGCTCTGGGGAATCCTGGGGGCCATCCAGGCCC[A>G]GCAGCAGGAGGTCATCTCGCCGGACACTACCGAGAGAAACAACAACTGCCCAGGTGCCAG-3'
Protein context (NP_001840.3, residues 11-31): LWGILGAIQA[Gln21Arg]QQEVISPDTT

ClinVar aggregate classification (germline): Uncertain significance (1 of 4 stars; one submission).

Conditions:
Bethlem myopathy 1A. Also called: MYOPATHY, BENIGN CONGENITAL, WITH CONTRACTURES; Bethlem Muscular Dystrophy; Bethlem myopathy 1. Identifiers: Orphanet 610, MedGen CN029274, MONDO:0024530, OMIM 158810.

Allele frequency attached by ClinVar (database versions not stated): TOPMed below 0.00001; ExAC 0.00001; gnomAD exomes 0.00001.
gnomAD v4.1: 1 of 1,612,968 alleles (0.000062%); highest among the groups gnomAD compares: East Asian, 0.0022%; no homozygotes.

Submission:

Labcorp Genetics (formerly Invitae), Labcorp
Classification: Uncertain significance for Bethlem myopathy 1A. Last evaluated: 2021-11-22. Review status: criteria provided, single submitter. Criteria: Invitae Variant Classification Sherloc (09022015). Collection method: clinical testing. Allele origin: germline.
Comment: In summary, the available evidence is currently insufficient to determine the role of this variant in disease. Therefore, it has been classified as a Variant of Uncertain Significance. Advanced modeling of protein sequence and biophysical properties (such as structural, functional, and spatial information, amino acid conservation, physicochemical variation, residue mobility, and thermodynamic stability) performed at Invitae indicates that this missense variant is not expected to disrupt COL6A2 protein function. This variant has not been reported in the literature in individuals affected with COL6A2-related conditions. This variant is present in population databases (rs751632108, gnomAD 0.01%). This sequence change replaces glutamine, which is neutral and polar, with arginine, which is basic and polar, at codon 21 of the COL6A2 protein (p.Gln21Arg).